The following is an entry in ClinVar:

NM_138387.4(G6PC3):c.994G>C (p.Val332Leu)

Gene: G6PC3 (glucose-6-phosphatase catalytic subunit 3; plus strand). Cytogenetic location: 17q21.31.
Variant type: single nucleotide variant.
Coding change: c.994G>C on transcript NM_138387.4 (MANE Select); coding-DNA position 994, G replaced by C.
Protein change: p.Val332Leu; replaces valine 332 with leucine.
Molecular consequence: missense variant. On other transcripts: 3 prime UTR variant (1).
Genome position (GRCh38, 1-based): chr17:44,075,996, G>C. VCF-style: chr17-44075996-G-C. GRCh37 (hg19) VCF-style: chr17-42153364-G-C.
Other names: c.*287G>C (NM_001319945.2); c.649G>C, p.Val217Leu (NM_001384165.1, NM_001384166.1, NM_001384167.1 and 1 more transcripts); short protein forms V217L, V332L.
Identifiers: ClinVar variation 3518070 (VCV003518070.1).

ClinVar aggregate classification (germline): Uncertain significance (1 of 4 stars; one submission).

Conditions:
Inborn genetic diseases. Identifiers: MedGen C0950123, MeSH D030342.

gnomAD v4.1: 1 of 1,613,182 alleles (0.000062%); highest among the groups gnomAD compares: Non-Finnish European, 0.000085%; no homozygotes.

Submission:

Ambry Genetics
Classification: Uncertain significance for Inborn genetic diseases. Last evaluated: 2024-12-04. Review status: criteria provided, single submitter. Criteria: Ambry Variant Classification Scheme 2023. Collection method: clinical testing. Allele origin: germline.
Comment: The p.V332L variant (also known as c.994G>C), located in coding exon 6 of the G6PC3 gene, results from a G to C substitution at nucleotide position 994. The valine at codon 332 is replaced by leucine, an amino acid with highly similar properties. This amino acid position is conserved. In addition, this alteration is predicted to be tolerated by in silico analysis. Based on the available evidence, the clinical significance of this variant remains unclear.